The following is an entry in ClinVar:

NM_139119.3(YY1AP1):c.412-1G>A

Gene: YY1AP1 (YY1 associated protein 1; minus strand). Cytogenetic location: 1q22.
Variant type: single nucleotide variant.
Coding change: c.412-1G>A on transcript NM_139119.3 (MANE Select); the canonical splice acceptor site of the intron before coding-DNA position 412, G replaced by A.
Molecular consequence: splice acceptor variant.
Genome position (GRCh38, 1-based): chr1:155,672,732, C>T on the plus strand (G>A on the coding strand, the complement: YY1AP1 is on the minus strand). VCF-style: chr1-155672732-C-T. GRCh37 (hg19) VCF-style: chr1-155642523-C-T.
Other names: IVS5AS, G-A, -4; c.826-1G>A (NM_001198904.1, NM_001198903.1); c.412-1G>A (NM_001198901.2, NM_001198902.2, NM_001198905.2); c.214-1G>A (NM_139121.3); c.610-1G>A (NM_139118.3, NM_001198906.2); c.379-1G>A (NM_001198900.2, NM_018253.4, NM_001198899.2).
Identifiers: ClinVar variation 523660 (VCV000523660.8), dbSNP rs199653824, ClinGen allele CA1148801.
Genomic context (GRCh38, chr1:155,672,732, plus strand): 5'-CTTGGGGTTGTACTGATGGTGAAGGGCGATGGAGCTTTGAGCAAAGGTTCCCAGCTCTTT[C>T]TGGGAAAACACGACACAAGGAAGATCTAAGACAATTCCAGACAATTAATACCAATAGCCT-3'

ClinVar aggregate classification (germline): Pathogenic. Review status: criteria provided, multiple submitters, no conflicts (2 of 4 stars). 3 submissions from 3 submitters: Pathogenic (2). 1 of the submissions does not count toward it. Last evaluated 2020-01-20.

Conditions:
Grange syndrome (GRNG). Also called: GRANGE OCCLUSIVE ARTERIAL SYNDROME. Identifiers: Orphanet 79094, MedGen C1865267, MONDO:0011243, OMIM 602531.

Allele frequency attached by ClinVar (database versions not stated): gnomAD exomes below 0.00001 and 0.00001; TOPMed below 0.00001; ExAC 0.00001; gnomAD 0.00001.

Submissions (3):

Institute of Human Genetics Munich, TUM University Hospital
Classification: Pathogenic for Grange syndrome. Last evaluated: 2020-01-20. Review status: criteria provided, single submitter. Criteria: Classification criteria August 2017. Collection method: clinical testing. Allele origin: maternal. Inheritance: Autosomal recessive inheritance. Affected: yes. Observed: 1 compound heterozygote.

Institute of Human Genetics Greifswald, Research Division, University Medicine Greifswald
Classification: Pathogenic for Grange syndrome. Last evaluated: 2018-05-02. Review status: criteria provided, single submitter. Criteria: ACMG Guidelines, 2015. Collection method: in vitro. Allele origin: not applicable. Inheritance: Autosomal recessive inheritance.
Comment: The c.826-1G>A variant in YY1AP1 has been identified in a compound heterozygous state with another YY1AP1 splice mutation. Additionally, RT-PCR on RNA from blood lymphocytes confirmed skipping of exon 6 which causes a frameshift. In summary, the c.826-1G>A variant meets the ACMG criteria to be classified as pathogenic based upon segregation studies, population frequency data and functional evidence.

OMIM
Classification: Pathogenic for GRANGE SYNDROME. Last evaluated: 2020-07-02. Review status: no assertion criteria provided. Collection method: literature only. Allele origin: germline. Not counted in ClinVar's aggregate classification.

Literature cited by the submitters: PubMed 30556293 (cited by OMIM).